The following is an entry in ClinVar:

NM_144643.4(SCLT1):c.1062G>C (p.Glu354Asp)

Gene: SCLT1 (sodium channel and clathrin linker 1; minus strand). Cytogenetic location: 4q28.2.
Variant type: single nucleotide variant.
Coding change: c.1062G>C on transcript NM_144643.4 (MANE Select); coding-DNA position 1062, G replaced by C.
Protein change: p.Glu354Asp; replaces glutamic acid 354 with aspartic acid.
Molecular consequence: missense variant.
Genome position (GRCh38, 1-based): chr4:128,957,110, C>G on the plus strand (G>C on the coding strand, the complement: SCLT1 is on the minus strand). VCF-style: chr4-128957110-C-G. GRCh37 (hg19) VCF-style: chr4-129878265-C-G.
Other names: p.Glu354Asp; c.1062G>C (NM_144643.3); short protein forms E354D.
Identifiers: ClinVar variation 1164497 (VCV001164497.14), dbSNP rs35732875, ClinGen allele CA3079748.

ClinVar aggregate classification (germline): Benign. Review status: criteria provided, multiple submitters, no conflicts (2 of 4 stars). 5 submissions from 5 submitters: Benign (4). 1 of the submissions does not count toward it. Last evaluated 2026-01-30.

Conditions:
SCLT1-related disorder. Also called: SCLT1-related condition.

Allele frequency attached by ClinVar (database versions not stated): 1000 Genomes Project 0.00419; 1000 Genomes Project 30x 0.00453; TOPMed 0.00944; gnomAD 0.01028 and 0.01072; ExAC 0.01090; ESP Exome Variant Server 0.01209.
gnomAD v4.1: 22,712 of 1,586,182 alleles (1.4%); highest among the groups gnomAD compares: Non-Finnish European, 1.7%; 217 homozygotes.

Submissions (5):

Labcorp Genetics (formerly Invitae), Labcorp
Classification: Benign. Last evaluated: 2026-01-30. Review status: criteria provided, single submitter. Criteria: Invitae Variant Classification Sherloc (09022015). Collection method: clinical testing. Allele origin: germline.

Blueprint Genetics
Classification: Benign. Last evaluated: 2024-11-23. Review status: criteria provided, single submitter. Criteria: ACMG Guidelines, 2015. Collection method: clinical testing. Allele origin: germline.

Mayo Clinic Laboratories, Mayo Clinic
Classification: Benign. Last evaluated: 2023-04-05. Review status: criteria provided, single submitter. Criteria: ACMG Guidelines, 2015. Collection method: clinical testing. Allele origin: germline. Observed: 2 variant alleles.
Comment: BS1, BS2, BP4

Breakthrough Genomics
Classification: Benign. Review status: criteria provided, single submitter. Criteria: ACMG Guidelines, 2015. Collection method: not provided. Allele origin: germline. Inheritance: Unknown mechanism. Affected: yes.

PreventionGenetics, part of Exact Sciences
Classification: Benign for SCLT1-related condition. Last evaluated: 2019-11-05. Review status: no assertion criteria provided. Collection method: clinical testing. Allele origin: germline. Not counted in ClinVar's aggregate classification.
Comment: This variant is classified as benign based on ACMG/AMP sequence variant interpretation guidelines (Richards et al. 2015 PMID: 25741868, with internal and published modifications).